The following is an entry in ClinVar:

ClinVar aggregate classification (germline): Uncertain significance. Review status: criteria provided, multiple submitters, no conflicts (2 of 4 stars). 2 submissions from 2 submitters: Uncertain significance (2). Last evaluated 2023-09-15.

Allele frequency attached by ClinVar (database versions not stated): gnomAD 0.00002; TOPMed 0.00002; ExAC 0.00006.
gnomAD v4.1: 67 of 1,546,920 alleles (0.0043%); highest among the groups gnomAD compares: Non-Finnish European, 0.0056%; no homozygotes.

Submissions (2):

Women's Health and Genetics/Laboratory Corporation of America, LabCorp
Classification: Uncertain significance. Last evaluated: 2023-09-15. Review status: criteria provided, single submitter. Criteria: LabCorp Variant Classification Summary - May 2015. Collection method: clinical testing. Allele origin: germline.
Comment: Variant summary: BLOC1S3 c.124G>T (p.Gly42Cys) results in a non-conservative amino acid change in the encoded protein sequence. Three of five in-silico tools predict a damaging effect of the variant on protein function. The variant allele was found at a frequency of 3.8e-05 in 157388 control chromosomes. The available data on variant occurrences in the general population are insufficient to allow any conclusion about variant significance. To our knowledge, no occurrence of c.124G>T in individuals affected with Hermansky-Pudlak Syndrome and no experimental evidence demonstrating its impact on protein function have been reported. One submitter has cited clinical-significance assessments for this variant to ClinVar after 2014 and has classified the variant as uncertain significance. Based on the evidence outlined above, the variant was classified as uncertain significance.

Labcorp Genetics (formerly Invitae), Labcorp
Classification: Uncertain significance. Last evaluated: 2022-06-27. Review status: criteria provided, single submitter. Criteria: Invitae Variant Classification Sherloc (09022015). Collection method: clinical testing. Allele origin: germline.
Comment: This sequence change replaces glycine, which is neutral and non-polar, with cysteine, which is neutral and slightly polar, at codon 42 of the BLOC1S3 protein (p.Gly42Cys). This variant is present in population databases (rs779822009, gnomAD 0.009%). This variant has not been reported in the literature in individuals affected with BLOC1S3-related conditions. Algorithms developed to predict the effect of missense changes on protein structure and function are either unavailable or do not agree on the potential impact of this missense change (SIFT: "Tolerated"; PolyPhen-2: "Probably Damaging"; Align-GVGD: "Class C15"). In summary, the available evidence is currently insufficient to determine the role of this variant in disease. Therefore, it has been classified as a Variant of Uncertain Significance.

NM_212550.5(BLOC1S3):c.124G>T (p.Gly42Cys)

Gene: BLOC1S3 (biogenesis of lysosomal organelles complex 1 subunit 3; plus strand). Cytogenetic location: 19q13.32.
Variant type: single nucleotide variant.
Coding change: c.124G>T on transcript NM_212550.5 (MANE Select); coding-DNA position 124, G replaced by T.
Protein change: p.Gly42Cys; replaces glycine 42 with cysteine.
Molecular consequence: missense variant.
Genome position (GRCh38, 1-based): chr19:45,179,420, G>T. VCF-style: chr19-45179420-G-T. GRCh37 (hg19) VCF-style: chr19-45682678-G-T.
Other names: short protein forms G42C.
Identifiers: ClinVar variation 2194604 (VCV002194604.2), dbSNP rs779822009, ClinGen allele CA9510225.